The following is an entry in ClinVar:

NM_000260.4(MYO7A):c.5032C>T (p.Arg1678Trp)

Gene: MYO7A (myosin VIIA; plus strand). Cytogenetic location: 11q13.5.
Variant type: single nucleotide variant.
Coding change: c.5032C>T on transcript NM_000260.4 (MANE Select); coding-DNA position 5032, C replaced by T.
Protein change: p.Arg1678Trp; replaces arginine 1678 with tryptophan.
Molecular consequence: missense variant.
Genome position (GRCh38, 1-based): chr11:77,201,627, C>T. VCF-style: chr11-77201627-C-T. GRCh37 (hg19) VCF-style: chr11-76912672-C-T.
Other names: c.4918C>T, p.Arg1640Trp (NM_001127180.2); c.4885C>T, p.Arg1629Trp (NM_001369365.1); short protein forms R1629W, R1640W, R1678W.
Identifiers: ClinVar variation 2141644 (VCV002141644.4), dbSNP rs921687836, ClinGen allele CA224851935.

ClinVar aggregate classification (germline): Uncertain significance. Review status: criteria provided, multiple submitters, no conflicts (2 of 4 stars). 2 submissions from 2 submitters: Uncertain significance (2). Last evaluated 2025-05-01.

Allele frequency attached by ClinVar (database versions not stated): gnomAD exomes 0.00001; gnomAD 0.00002.
gnomAD v4.1: 20 of 1,613,174 alleles (0.0012%); highest among the groups gnomAD compares: African/African-American, 0.0027%; no homozygotes.

Submissions (2):

Labcorp Genetics (formerly Invitae), Labcorp
Classification: Uncertain significance. Last evaluated: 2025-05-01. Review status: criteria provided, single submitter. Criteria: Invitae Variant Classification Sherloc (09022015). Collection method: clinical testing. Allele origin: germline.
Comment: This sequence change replaces arginine, which is basic and polar, with tryptophan, which is neutral and slightly polar, at codon 1678 of the MYO7A protein (p.Arg1678Trp). This variant is present in population databases (no rsID available, gnomAD 0.006%). This variant has not been reported in the literature in individuals affected with MYO7A-related conditions. ClinVar contains an entry for this variant (Variation ID: 2141644). Invitae Evidence Modeling of protein sequence and biophysical properties (such as structural, functional, and spatial information, amino acid conservation, physicochemical variation, residue mobility, and thermodynamic stability) indicates that this missense variant is not expected to disrupt MYO7A protein function with a negative predictive value of 95%. In summary, the available evidence is currently insufficient to determine the role of this variant in disease. Therefore, it has been classified as a Variant of Uncertain Significance.

Blueprint Genetics
Classification: Uncertain significance. Last evaluated: 2024-11-17. Review status: criteria provided, single submitter. Criteria: ACMG Guidelines, 2015. Collection method: clinical testing. Allele origin: germline.